The following is an entry in ClinVar:

NM_001267550.2(TTN):c.60524C>T (p.Pro20175Leu)

Genes: TTN (titin; minus strand), TTN-AS1 (TTN antisense RNA 1; plus strand). Cytogenetic location: 2q31.2.
Variant type: single nucleotide variant.
Coding change: c.60524C>T on transcript NM_001267550.2 (MANE Select); coding-DNA position 60524, C replaced by T.
Protein change: p.Pro20175Leu; replaces proline 20175 with leucine.
Molecular consequence: missense variant. On other transcripts: non-coding transcript variant (1).
Genome position (GRCh38, 1-based): chr2:178,591,201, G>A on the plus strand (C>T on the coding strand, the complement: TTN is on the minus strand). VCF-style: chr2-178591201-G-A. GRCh37 (hg19) VCF-style: chr2-179455928-G-A.
Other names: c.55601C>T, p.Pro18534Leu (NM_001256850.1); c.33329C>T, p.Pro11110Leu (NM_003319.4); c.33704C>T, p.Pro11235Leu (NM_133432.3); c.33905C>T, p.Pro11302Leu (NM_133437.4); c.52820C>T, p.Pro17607Leu (NM_133378.4); short protein forms P17607L, P20175L, P11302L, P11110L, P18534L, P11235L.
Identifiers: ClinVar variation 229480 (VCV000229480.18), dbSNP rs771358314, ClinGen allele CA1992479.

ClinVar aggregate classification (germline): Conflicting classifications of pathogenicity. Review status: criteria provided, conflicting classifications (1 of 4 stars). 10 submissions from 6 submitters: Uncertain significance (8); Benign (2). Last evaluated 2023-02-10.

Conditions:
Autosomal recessive limb-girdle muscular dystrophy type 2J (LGMDR10). Also called: MUSCULAR DYSTROPHY, LIMB-GIRDLE, AUTOSOMAL RECESSIVE 10; Limb-girdle muscular dystrophy, type 2J. Identifiers: Orphanet 140922, MedGen C1837342, MONDO:0012127, OMIM 608807.
Dilated cardiomyopathy 1G (CMD1G). Identifiers: Orphanet 154, MedGen C1858763, MONDO:0011400, OMIM 604145.
Hypertrophic cardiomyopathy 9. Also called: Familial hypertrophic cardiomyopathy 9. Identifiers: MedGen C1861065, MONDO:0013412, OMIM 613765.
Tibial muscular dystrophy (TMD). Also called: Udd Distal Myopathy – Tibial Muscular Dystrophy; UDD MYOPATHY; Tibial muscular dystrophy, tardive. Identifiers: Orphanet 609, MedGen C1838244, MONDO:0010870, OMIM 600334.
Myopathy, myofibrillar, 9, with early respiratory failure (MFM9). Also called: EDSTROM MYOPATHY; MYOPATHY, PROXIMAL, WITH EARLY RESPIRATORY MUSCLE INVOLVEMENT; Hereditary myopathy with early respiratory failure; Myopathy, distal, with early respiratory failure, autosomal dominant. Identifiers: Orphanet 178464, Orphanet 34521, MedGen C1863599, MONDO:0011362, OMIM 603689.
Early-onset myopathy with fatal cardiomyopathy (CMYO5). Also called: CONGENITAL MYOPATHY 5 WITH CARDIOMYOPATHY; Salih Myopathy. Identifiers: Orphanet 289377, MedGen C2673677, MONDO:0012714, OMIM 611705. Disease mechanism: loss of function.

Allele frequency attached by ClinVar (database versions not stated): gnomAD 0.00001; TOPMed 0.00001; ExAC 0.00005; gnomAD exomes 0.00005.
gnomAD v4.1: 53 of 1,613,278 alleles (0.0033%); highest among the groups gnomAD compares: Middle Eastern, 0.13%; no homozygotes.

Submissions (10):

New York Genome Center
Classification: Uncertain significance for Dilated cardiomyopathy 1G; Hypertrophic cardiomyopathy 9. Last evaluated: 2023-02-10. Review status: criteria provided, single submitter. Criteria: NYGC Assertion Criteria 2020. Collection method: clinical testing. Allele origin: germline. Observed: 1 heterozygote.

Revvity Omics, Revvity
Classification: Uncertain significance. Last evaluated: 2020-04-01. Review status: criteria provided, single submitter. Criteria: ACMG Guidelines, 2015. Collection method: clinical testing. Allele origin: germline.

Eurofins Ntd Llc (ga)
Classification: Uncertain significance. Last evaluated: 2018-08-17. Review status: criteria provided, single submitter. Criteria: EGL ClinVar v180209 classification definitions. Collection method: clinical testing. Allele origin: germline. Observed: 1 variant allele, 1 heterozygote.

Illumina Laboratory Services, Illumina
Classification: Uncertain significance for Dilated cardiomyopathy 1G. Last evaluated: 2018-02-02. Review status: criteria provided, single submitter. Criteria: ICSL Variant Classification Criteria 13 December 2019. Collection method: clinical testing. Allele origin: germline.

Illumina Laboratory Services, Illumina
Classification: Benign for Tibial muscular dystrophy. Last evaluated: 2018-02-02. Review status: criteria provided, single submitter. Criteria: ICSL Variant Classification Criteria 13 December 2019. Collection method: clinical testing. Allele origin: germline.
Comment: This variant was observed in the ICSL laboratory as part of a predisposition screen in an ostensibly healthy population. It had not been previously curated by ICSL or reported in the Human Gene Mutation Database (HGMD: prior to June 1st, 2018), and was therefore a candidate for classification through an automated scoring system. Utilizing variant allele frequency, disease prevalence and penetrance estimates, and inheritance mode, an automated score was calculated to assess if this variant is too frequent to cause the disease. Based on the score and internal cut-off values, a variant classified as benign is not then subjected to further curation. The score for this variant resulted in a classification of benign for this disease.

Illumina Laboratory Services, Illumina
Classification: Benign for Myopathy, myofibrillar, 9, with early respiratory failure. Last evaluated: 2018-02-02. Review status: criteria provided, single submitter. Criteria: ICSL Variant Classification Criteria 13 December 2019. Collection method: clinical testing. Allele origin: germline.
Comment: the same text as in the submission from Illumina Laboratory Services, Illumina above.

Illumina Laboratory Services, Illumina
Classification: Uncertain significance for Early-onset myopathy with fatal cardiomyopathy. Last evaluated: 2018-02-02. Review status: criteria provided, single submitter. Criteria: ICSL Variant Classification Criteria 13 December 2019. Collection method: clinical testing. Allele origin: germline.

Illumina Laboratory Services, Illumina
Classification: Uncertain significance for Autosomal recessive limb-girdle muscular dystrophy type 2J. Last evaluated: 2018-02-02. Review status: criteria provided, single submitter. Criteria: ICSL Variant Classification Criteria 13 December 2019. Collection method: clinical testing. Allele origin: germline.

Labcorp Genetics (formerly Invitae), Labcorp
Classification: Uncertain significance for Dilated cardiomyopathy 1G; Autosomal recessive limb-girdle muscular dystrophy type 2J. Last evaluated: 2017-07-03. Review status: criteria provided, single submitter. Criteria: Invitae Variant Classification Sherloc (09022015). Collection method: clinical testing. Allele origin: germline.

Laboratory for Molecular Medicine, Mass General Brigham Personalized Medicine
Classification: Uncertain significance. Last evaluated: 2015-06-03. Review status: criteria provided, single submitter. Criteria: LMM Criteria. Collection method: clinical testing. Allele origin: germline. Observed: 1 variant allele.
Comment: The p.Pro17607Leu variant in TTN has not been previously reported in individuals with cardiomyopathy but has been identified in 6/66700 European chromosomes by the Exome Aggregation Consortium (ExAC). Computa tional prediction tools and conservation analysis suggest that the p.Pro17607Leu variant may impact the protein, though this information is not predictive enoug h to determine pathogenicity. In summary, the clinical significance of the p.Pro 17607Leu variant is uncertain.